The following is an entry in ClinVar:

ClinVar aggregate classification (germline): Uncertain significance (1 of 4 stars; one submission).

Submission:

Labcorp Genetics (formerly Invitae), Labcorp
Classification: Uncertain significance. Last evaluated: 2022-03-18. Review status: criteria provided, single submitter. Criteria: Invitae Variant Classification Sherloc (09022015). Collection method: clinical testing. Allele origin: germline.
Comment: In summary, the available evidence is currently insufficient to determine the role of this variant in disease. Therefore, it has been classified as a Variant of Uncertain Significance. Algorithms developed to predict the effect of missense changes on protein structure and function are either unavailable or do not agree on the potential impact of this missense change (SIFT: "Not Available"; PolyPhen-2: "Probably Damaging"; Align-GVGD: "Not Available"). This variant has not been reported in the literature in individuals affected with MYO18B-related conditions. This variant is not present in population databases (gnomAD no frequency). This sequence change replaces glutamine, which is neutral and polar, with arginine, which is basic and polar, at codon 1769 of the MYO18B protein (p.Gln1769Arg).

NM_032608.7(MYO18B):c.5306A>G (p.Gln1769Arg)

Gene: MYO18B (myosin XVIIIB; plus strand). Cytogenetic location: 22q12.1.
Variant type: single nucleotide variant.
Coding change: c.5306A>G on transcript NM_032608.7 (MANE Select); coding-DNA position 5306, A replaced by G.
Protein change: p.Gln1769Arg; replaces glutamine 1769 with arginine.
Molecular consequence: missense variant.
Genome position (GRCh38, 1-based): chr22:25,910,992, A>G. VCF-style: chr22-25910992-A-G. GRCh37 (hg19) VCF-style: chr22-26306959-A-G.
Other names: c.5309A>G, p.Gln1770Arg (NM_001318245.2); short protein forms Q1769R, Q1770R.
Identifiers: ClinVar variation 1487613 (VCV001487613.8), dbSNP rs2146387270, ClinGen allele CA411003182.
Genomic context (GRCh38, chr22:25,910,992, plus strand): 5'-CTGTGTATCCACAGCTTCATCAGCTGGAAATGCAGCTGGAGCAAGAGTATGAAGAGAAGC[A>G]GATGGTCCTCCATGAGAAGCAAGATTTGGAAGGCTTGATCGGAACCCTCTGTGACCAGGT-3'
Protein context (NP_115997.5, residues 1759-1779): MQLEQEYEEK[Gln1769Arg]MVLHEKQDLE